The following is an entry in ClinVar:

ClinVar aggregate classification (germline): Uncertain significance (1 of 4 stars; one submission).

Allele frequency attached by ClinVar (database versions not stated): gnomAD exomes below 0.00001.
gnomAD v4.1: 2 of 1,613,970 alleles (0.00012%); highest among the groups gnomAD compares: South Asian, 0.0011%; no homozygotes.

Submission:

Labcorp Genetics (formerly Invitae), Labcorp
Classification: Uncertain significance. Last evaluated: 2022-05-30. Review status: criteria provided, single submitter. Criteria: Invitae Variant Classification Sherloc (09022015). Collection method: clinical testing. Allele origin: germline.
Comment: This variant has not been reported in the literature in individuals affected with POLE-related conditions. ClinVar contains an entry for this variant (Variation ID: 1014766). Algorithms developed to predict the effect of missense changes on protein structure and function (SIFT, PolyPhen-2, Align-GVGD) all suggest that this variant is likely to be disruptive. In summary, the available evidence is currently insufficient to determine the role of this variant in disease. Therefore, it has been classified as a Variant of Uncertain Significance. This sequence change replaces serine, which is neutral and polar, with phenylalanine, which is neutral and non-polar, at codon 828 of the POLE protein (p.Ser828Phe). This variant is not present in population databases (gnomAD no frequency).

NM_006231.4(POLE):c.2483C>T (p.Ser828Phe)

Gene: POLE (DNA polymerase epsilon, catalytic subunit; minus strand). Cytogenetic location: 12q24.33.
Variant type: single nucleotide variant.
Coding change: c.2483C>T on transcript NM_006231.4 (MANE Select); coding-DNA position 2483, C replaced by T.
Protein change: p.Ser828Phe; replaces serine 828 with phenylalanine.
Molecular consequence: missense variant.
Genome position (GRCh38, 1-based): chr12:132,664,448, G>A on the plus strand (C>T on the coding strand, the complement: POLE is on the minus strand). VCF-style: chr12-132664448-G-A. GRCh37 (hg19) VCF-style: chr12-133241034-G-A.
Other names: short protein forms S828F.
Identifiers: ClinVar variation 1014766 (VCV001014766.8), dbSNP rs2042747349, ClinGen allele CA387396620.